The following is an entry in ClinVar:

ClinVar aggregate classification (germline): Uncertain significance. Review status: criteria provided, multiple submitters, no conflicts (2 of 4 stars). 2 submissions from 2 submitters: Uncertain significance (2). Last evaluated 2025-05-28.

Allele frequency attached by ClinVar (database versions not stated): gnomAD 0.00001; ExAC 0.00011; TOPMed below 0.00001; gnomAD exomes 0.00006.
gnomAD v4.1: 95 of 1,613,772 alleles (0.0059%); highest among the groups gnomAD compares: South Asian, 0.1%; 2 homozygotes.

Submissions (2):

Labcorp Genetics (formerly Invitae), Labcorp
Classification: Uncertain significance. Last evaluated: 2025-05-28. Review status: criteria provided, single submitter. Criteria: Invitae Variant Classification Sherloc (09022015). Collection method: clinical testing. Allele origin: germline.
Comment: This sequence change replaces aspartic acid, which is acidic and polar, with histidine, which is basic and polar, at codon 315 of the CLUAP1 protein (p.Asp315His). This variant is present in population databases (rs781271622, gnomAD 0.09%), and has an allele count higher than expected for a pathogenic variant. This variant has not been reported in the literature in individuals affected with CLUAP1-related conditions. ClinVar contains an entry for this variant (Variation ID: 2594362). Invitae Evidence Modeling of protein sequence and biophysical properties (such as structural, functional, and spatial information, amino acid conservation, physicochemical variation, residue mobility, and thermodynamic stability) indicates that this missense variant is not expected to disrupt CLUAP1 protein function with a negative predictive value of 80%. In summary, the available evidence is currently insufficient to determine the role of this variant in disease. Therefore, it has been classified as a Variant of Uncertain Significance.

Ambry Genetics
Classification: Uncertain significance. Last evaluated: 2023-07-12. Review status: criteria provided, single submitter. Criteria: Ambry Variant Classification Scheme 2023. Collection method: clinical testing. Allele origin: germline.

NM_015041.3(CLUAP1):c.943G>C (p.Asp315His)

Gene: CLUAP1 (clusterin associated protein 1; plus strand). Cytogenetic location: 16p13.3.
Variant type: single nucleotide variant.
Coding change: c.943G>C on transcript NM_015041.3 (MANE Select); coding-DNA position 943, G replaced by C.
Protein change: p.Asp315His; replaces aspartic acid 315 with histidine.
Molecular consequence: missense variant.
Genome position (GRCh38, 1-based): chr16:3,530,582, G>C. VCF-style: chr16-3530582-G-C. GRCh37 (hg19) VCF-style: chr16-3580582-G-C.
Other names: c.943G>C, p.Asp315His (NM_001330454.2); c.445G>C, p.Asp149His (NM_024793.3); short protein forms D149H, D315H.
Identifiers: ClinVar variation 2594362 (VCV002594362.4), dbSNP rs781271622, ClinGen allele CA7863918.